The following is an entry in ClinVar:

ClinVar aggregate classification (germline): Uncertain significance (1 of 4 stars; one submission).

Allele frequency attached by ClinVar (database versions not stated): gnomAD exomes below 0.00001.
gnomAD v4.1: 1 of 1,614,138 alleles (0.000062%); highest among the groups gnomAD compares: Non-Finnish European, 0.000085%; no homozygotes.

Submission:

Ambry Genetics
Classification: Uncertain significance. Last evaluated: 2021-06-21. Review status: criteria provided, single submitter. Criteria: Ambry Variant Classification Scheme 2023. Collection method: clinical testing. Allele origin: germline.
Comment: The p.S1574F variant (also known as c.4721C>T), located in coding exon 42 of the KIF1B gene, results from a C to T substitution at nucleotide position 4721. The serine at codon 1574 is replaced by phenylalanine, an amino acid with highly dissimilar properties. This amino acid position is conserved. In addition, the in silico prediction for this alteration is inconclusive. Since supporting evidence is limited at this time, the clinical significance of this alteration remains unclear.

NM_001365951.3(KIF1B):c.4859C>T (p.Ser1620Phe)

Gene: KIF1B (kinesin family member 1B; plus strand). Cytogenetic location: 1p36.22.
Variant type: single nucleotide variant.
Coding change: c.4859C>T on transcript NM_001365951.3 (MANE Select); coding-DNA position 4859, C replaced by T.
Protein change: p.Ser1620Phe; replaces serine 1620 with phenylalanine.
Molecular consequence: missense variant.
Genome position (GRCh38, 1-based): chr1:10,371,175, C>T. VCF-style: chr1-10371175-C-T. GRCh37 (hg19) VCF-style: chr1-10431233-C-T.
Other names: c.4859C>T, p.Ser1620Phe (NM_001365952.1); c.4721C>T, p.Ser1574Phe (NM_015074.3); short protein forms S1574F, S1620F.
Identifiers: ClinVar variation 1742667 (VCV001742667.2), dbSNP rs2521951875, ClinGen allele CA338327401.